The following is an entry in ClinVar:

ClinVar aggregate classification (germline): Pathogenic (1 of 4 stars; one submission).

Conditions:
Medium-chain acyl-coenzyme A dehydrogenase deficiency (ACADMD). Also called: ACADM DEFICIENCY; CARNITINE DEFICIENCY SECONDARY TO MEDIUM-CHAIN ACYL-CoA DEHYDROGENASE DEFICIENCY; MCADH DEFICIENCY; MCADD; Medium chain acyl-CoA dehydrogenase deficiency; MCAD Deficiency. Identifiers: Orphanet 42, MedGen C0220710, MONDO:0008721, OMIM 201450.

Submission:

Myriad Genetics, Inc.
Classification: Pathogenic for Medium-chain acyl-coenzyme A dehydrogenase deficiency. Last evaluated: 2026-04-08. Review status: criteria provided, single submitter. Criteria: Myriad Autosomal Dominant, Autosomal Recessive and X-Linked Classification Criteria (2023). Collection method: clinical testing. Allele origin: unknown.
Comment: NM_000016.4(ACADM):c.136A>T(K46*) is expected to be pathogenic in the context of medium-chain acyl-CoA dehydrogenase deficiency. This variant is predicted to lead to an abnormal or absent protein product due to the creation of a premature termination codon in ACADM, a gene where loss-of-function variants are known to be pathogenic. Please note: this variant was assessed in the context of healthy population screening.

NM_000016.6(ACADM):c.136A>T (p.Lys46Ter)

Gene: ACADM (acyl-CoA dehydrogenase medium chain; plus strand). Cytogenetic location: 1p31.1.
Variant type: single nucleotide variant.
Coding change: c.136A>T on transcript NM_000016.6 (MANE Select); coding-DNA position 136, A replaced by T.
Protein change: p.Lys46Ter; replaces lysine 46 with a stop codon.
Molecular consequence: nonsense. On other transcripts: 5 prime UTR variant (1).
Genome position (GRCh38, 1-based): chr1:75,732,661, A>T. VCF-style: chr1-75732661-A-T. GRCh37 (hg19) VCF-style: chr1-76198346-A-T.
Other names: c.148A>T, p.Lys50Ter (NM_001127328.3); c.28A>T, p.Lys10Ter (NM_001286042.2); c.136A>T, p.Lys46Ter (NM_001286043.2); c.-250A>T (NM_001286044.2); short protein forms K10*, K46*, K50*.
Identifiers: ClinVar variation 5015778 (VCV005015778.1).